The following is an entry in ClinVar:

ClinVar aggregate classification (germline): Likely benign. Review status: criteria provided, multiple submitters, no conflicts (2 of 4 stars). 4 submissions from 4 submitters: Likely benign (3). 1 of the submissions does not count toward it. Last evaluated 2026-01-14.

Conditions:
Becker muscular dystrophy (BMD). Also called: Becker Muscular Dystrophy (BMD); MUSCULAR DYSTROPHY, PSEUDOHYPERTROPHIC PROGRESSIVE, BECKER TYPE. Identifiers: Orphanet 98895, MedGen C0917713, MONDO:0010311, OMIM 300376.
Duchenne muscular dystrophy (DMD). Also called: Duchenne Muscular Dystrophy (DMD); MUSCULAR DYSTROPHY, PSEUDOHYPERTROPHIC PROGRESSIVE, DUCHENNE TYPE. Identifiers: Orphanet 98896, MedGen C0013264, MONDO:0010679, OMIM 310200.
Dystrophin deficiency.
Cardiomyopathy (CMYO). Also called: Cardiomyopathies. Identifiers: Orphanet 167848, MedGen C0878544, MONDO:0004994, HP:0001638. Inheritance: Various modes of inheritance.
Cardiovascular phenotype. Identifiers: MedGen CN230736.

Allele frequency attached by ClinVar (database versions not stated): gnomAD 0.00002 and 0.00003; gnomAD exomes 0.00003 and 0.00005; ExAC 0.00004; TOPMed 0.00005.
gnomAD v4.1: 35 of 1,207,915 alleles (0.0029%); highest among the groups gnomAD compares: Non-Finnish European, 0.0037%; no homozygotes.

Submissions (4):

Labcorp Genetics (formerly Invitae), Labcorp
Classification: Likely benign for Duchenne muscular dystrophy. Last evaluated: 2026-01-14. Review status: criteria provided, single submitter. Criteria: Invitae Variant Classification Sherloc (09022015). Collection method: clinical testing. Allele origin: germline.

Ambry Genetics
Classification: Likely benign for Cardiovascular phenotype. Last evaluated: 2025-04-16. Review status: criteria provided, single submitter. Criteria: Ambry Variant Classification Scheme 2023. Collection method: clinical testing. Allele origin: germline.

CeGaT Center for Human Genetics Tuebingen
Classification: Likely benign. Last evaluated: 2024-01-01. Review status: criteria provided, single submitter. Criteria: CeGaT Center For Human Genetics Tuebingen Variant Classification Criteria Version 2. Collection method: clinical testing. Allele origin: germline. Affected: yes. Observed: 1 variant allele.
Comment: DMD: BS2

Natera, Inc.
Classification: Likely benign for Becker muscular dystrophy; Cardiomyopathy; Duchenne muscular dystrophy; Dystrophin deficiency. Last evaluated: 2018-05-15. Review status: no assertion criteria provided. Collection method: clinical testing. Allele origin: germline. Not counted in ClinVar's aggregate classification.

Literature cited by the submitters: PubMed 25227141 (cited by Ambry Genetics).

NM_004006.3(DMD):c.5459A>G (p.Asn1820Ser)

Gene: DMD (dystrophin; minus strand). Cytogenetic location: Xp21.1.
Variant type: single nucleotide variant.
Coding change: c.5459A>G on transcript NM_004006.3 (MANE Select); coding-DNA position 5459, A replaced by G.
Protein change: p.Asn1820Ser; replaces asparagine 1820 with serine.
Molecular consequence: missense variant.
Genome position (GRCh38, 1-based): chrX:32,346,070, T>C on the plus strand (A>G on the coding strand, the complement: DMD is on the minus strand). VCF-style: chrX-32346070-T-C. GRCh37 (hg19) VCF-style: chrX-32364187-T-C.
Other names: c.5435A>G, p.Asn1812Ser (NM_000109.4); c.5447A>G, p.Asn1816Ser (NM_004009.3); c.5090A>G, p.Asn1697Ser (NM_004010.3); c.1436A>G, p.Asn479Ser (NM_004011.4); c.1427A>G, p.Asn476Ser (NM_004012.4); short protein forms N1820S, N1697S, N1816S, N476S, N1812S, N479S.
Identifiers: ClinVar variation 415865 (VCV000415865.37), dbSNP rs1800271, ClinGen allele CA10378678.